The following is an entry in ClinVar:

ClinVar aggregate classification (germline): Uncertain significance (1 of 4 stars; one submission).

Conditions:
Immunodeficiency 35 (IMD35). Also called: HIES WITH ATYPICAL MYCOBACTERIOSIS, AUTOSOMAL RECESSIVE; HYPER-IgE SYNDROME WITH ATYPICAL MYCOBACTERIOSIS, AUTOSOMAL RECESSIVE; Susceptibility to infection due to TYK2 deficiency; TYK2 DEFICIENCY. Identifiers: Orphanet 331226, MedGen C1969086, MONDO:0012682, OMIM 611521.

Allele frequency attached by ClinVar (database versions not stated): gnomAD exomes below 0.00001.
gnomAD v4.1: 1 of 1,614,158 alleles (0.000062%); highest among the groups gnomAD compares: Non-Finnish European, 0.000085%; no homozygotes.

Submission:

Labcorp Genetics (formerly Invitae), Labcorp
Classification: Uncertain significance for Immunodeficiency 35. Last evaluated: 2021-03-24. Review status: criteria provided, single submitter. Criteria: Invitae Variant Classification Sherloc (09022015). Collection method: clinical testing. Allele origin: germline.
Comment: This sequence change replaces proline with leucine at codon 87 of the TYK2 protein (p.Pro87Leu). The proline residue is highly conserved and there is a moderate physicochemical difference between proline and leucine. This variant is not present in population databases (ExAC no frequency). This variant has not been reported in the literature in individuals with TYK2-related conditions. Algorithms developed to predict the effect of missense changes on protein structure and function are either unavailable or do not agree on the potential impact of this missense change (SIFT: "Not Available"; PolyPhen-2: "Probably Damaging"; Align-GVGD: "Not Available"). In summary, the available evidence is currently insufficient to determine the role of this variant in disease. Therefore, it has been classified as a Variant of Uncertain Significance.

NM_003331.5(TYK2):c.260C>T (p.Pro87Leu)

Gene: TYK2 (tyrosine kinase 2; minus strand). Cytogenetic location: 19p13.2.
Variant type: single nucleotide variant.
Coding change: c.260C>T on transcript NM_003331.5 (MANE Select); coding-DNA position 260, C replaced by T.
Protein change: p.Pro87Leu; replaces proline 87 with leucine.
Molecular consequence: missense variant.
Genome position (GRCh38, 1-based): chr19:10,368,352, G>A on the plus strand (C>T on the coding strand, the complement: TYK2 is on the minus strand). VCF-style: chr19-10368352-G-A. GRCh37 (hg19) VCF-style: chr19-10479028-G-A.
Other names: c.260C>T, p.Pro87Leu (NM_001385197.1, NM_001385198.1, NM_001385199.1 and 8 more transcripts); short protein forms P87L.
Identifiers: ClinVar variation 1477655 (VCV001477655.6), dbSNP rs2145275752, ClinGen allele CA404020161.